The following is an entry in ClinVar:

ClinVar aggregate classification (germline): Uncertain significance (1 of 4 stars; one submission).

Conditions:
Early-infantile DEE. Also called: Early infantile epileptic encephalopathy; Early infantile epileptic encephalopathy with suppression bursts; Ohtahara syndrome. Identifiers: Orphanet 1934, MedGen C0393706, MONDO:0800491.

Submission:

Labcorp Genetics (formerly Invitae), Labcorp
Classification: Uncertain significance for Early-infantile DEE. Last evaluated: 2023-07-03. Review status: criteria provided, single submitter. Criteria: Invitae Variant Classification Sherloc (09022015). Collection method: clinical testing. Allele origin: germline.
Comment: This sequence change replaces phenylalanine, which is neutral and non-polar, with tyrosine, which is neutral and polar, at codon 2175 of the SPTAN1 protein (p.Phe2175Tyr). This variant is not present in population databases (gnomAD no frequency). This variant has not been reported in the literature in individuals affected with SPTAN1-related conditions. Advanced modeling of protein sequence and biophysical properties (such as structural, functional, and spatial information, amino acid conservation, physicochemical variation, residue mobility, and thermodynamic stability) has been performed at Invitae for this missense variant, however the output from this modeling did not meet the statistical confidence thresholds required to predict the impact of this variant on SPTAN1 protein function. In summary, the available evidence is currently insufficient to determine the role of this variant in disease. Therefore, it has been classified as a Variant of Uncertain Significance.

NM_001130438.3(SPTAN1):c.6524T>A (p.Phe2175Tyr)

Gene: SPTAN1 (spectrin alpha, non-erythrocytic 1; plus strand). Cytogenetic location: 9q34.11.
Variant type: single nucleotide variant.
Coding change: c.6524T>A on transcript NM_001130438.3 (MANE Select); coding-DNA position 6524, T replaced by A.
Protein change: p.Phe2175Tyr; replaces phenylalanine 2175 with tyrosine.
Molecular consequence: missense variant.
Genome position (GRCh38, 1-based): chr9:128,626,635, T>A. VCF-style: chr9-128626635-T-A. GRCh37 (hg19) VCF-style: chr9-131388914-T-A.
Other names: c.6449T>A, p.Phe2150Tyr (NM_001195532.2); c.6524T>A, p.Phe2175Tyr (NM_001363759.2, NM_001375310.1, NM_001375311.2 and 1 more transcripts); c.6464T>A, p.Phe2155Tyr (NM_001363765.2, NM_001375314.2); c.6560T>A, p.Phe2187Tyr (NM_001375312.2, NM_001375318.1); c.6509T>A, p.Phe2170Tyr (NM_003127.4); short protein forms F2150Y, F2175Y, F2187Y, F2170Y, F2155Y.
Identifiers: ClinVar variation 2727394 (VCV002727394.3), dbSNP rs2542211169, ClinGen allele CA375089597.